The following is an entry in ClinVar:

NM_016239.4(MYO15A):c.7473+10G>T

Gene: MYO15A (myosin XVA; plus strand). Cytogenetic location: 17p11.2.
Variant type: single nucleotide variant.
Coding change: c.7473+10G>T on transcript NM_016239.4 (MANE Select); 10 bases into the intron after coding-DNA position 7473, G replaced by T.
Molecular consequence: intron variant.
Genome position (GRCh38, 1-based): chr17:18,150,923, G>T. VCF-style: chr17-18150923-G-T. GRCh37 (hg19) VCF-style: chr17-18054237-G-T.
Identifiers: ClinVar variation 227652 (VCV000227652.21), dbSNP rs181355572, ClinGen allele CA8424850.

ClinVar aggregate classification (germline): Conflicting classifications of pathogenicity. Review status: criteria provided, conflicting classifications (1 of 4 stars). 6 submissions from 6 submitters: Uncertain significance (2); Likely benign (4). Last evaluated 2025-09-24.

Conditions:
MYO15A-related disorder. Also called: MYO15A-related condition.
Autosomal recessive nonsyndromic hearing loss 3. Also called: NEUROSENSORY NONSYNDROMIC RECESSIVE DEAFNESS 3. Identifiers: Orphanet 90636, MedGen C1838263, MONDO:0010860, OMIM 600316.

Allele frequency attached by ClinVar (database versions not stated): 1000 Genomes Project 30x 0.00047; gnomAD 0.00054; 1000 Genomes Project 0.00060; TOPMed 0.00060; gnomAD exomes 0.00062 and 0.00079; ESP Exome Variant Server 0.00080; ExAC 0.00086.
gnomAD v4.1: 1,261 of 1,605,494 alleles (0.079%); highest among the groups gnomAD compares: Non-Finnish European, 0.079%; no homozygotes.

Submissions (6):

Labcorp Genetics (formerly Invitae), Labcorp
Classification: Likely benign. Last evaluated: 2025-09-24. Review status: criteria provided, single submitter. Criteria: Invitae Variant Classification Sherloc (09022015). Collection method: clinical testing. Allele origin: germline.

PreventionGenetics, part of Exact Sciences
Classification: Likely benign for MYO15A-related condition. Last evaluated: 2024-11-06. Review status: criteria provided, single submitter. Criteria: ACMG Guidelines, 2015. Collection method: clinical testing. Allele origin: germline.
Comment: This variant is classified as likely benign based on ACMG/AMP sequence variant interpretation guidelines (Richards et al. 2015 PMID: 25741868, with internal and published modifications).

Blueprint Genetics
Classification: Uncertain significance. Last evaluated: 2024-11-04. Review status: criteria provided, single submitter. Criteria: ACMG Guidelines, 2015. Collection method: clinical testing. Allele origin: germline.

GeneDx
Classification: Likely benign. Last evaluated: 2018-11-14. Review status: criteria provided, single submitter. Criteria: GeneDx Variant Classification Process June 2021. Collection method: clinical testing. Allele origin: germline. Affected: yes.

Illumina Laboratory Services, Illumina
Classification: Uncertain significance for Autosomal recessive nonsyndromic hearing loss 3. Last evaluated: 2018-01-13. Review status: criteria provided, single submitter. Criteria: ICSL Variant Classification Criteria 13 December 2019. Collection method: clinical testing. Allele origin: germline.

Laboratory for Molecular Medicine, Mass General Brigham Personalized Medicine
Classification: Likely benign. Last evaluated: 2016-06-30. Review status: criteria provided, single submitter. Criteria: LMM Criteria. Collection method: clinical testing. Allele origin: germline. Observed: 2 variant alleles.
Comment: c.7473+10G>T in Intron 38 of MYO15A: This variant is not expected to have clinic al significance because it is not located within the conserved splice consensus sequence and has been identified in 0.1% (56/39754) of European chromosomes by t he Exome Aggregation Consortium (ExAC; dbSNP rs1 81355572).